The following is an entry in ClinVar:

ClinVar aggregate classification (germline): Uncertain significance (1 of 4 stars; one submission).

Conditions:
Muscular dystrophy-dystroglycanopathy (congenital with impaired intellectual development), type B, 2. Also called: Muscular dystrophy-dystroglycanopathy (congenital with intellectual disability), type B2; MUSCULAR DYSTROPHY, CONGENITAL, POMT2-RELATED. Identifiers: MedGen C3150416, MONDO:0013160, OMIM 613156.
Autosomal recessive limb-girdle muscular dystrophy type 2N. Also called: Muscular dystrophy-dystroglycanopathy (limb-girdle), type C, 2; MUSCULAR DYSTROPHY-DYSTROGLYCANOPATHY, LIMB-GIRDLE, POMT2-RELATED. Identifiers: Orphanet 206559, MedGen C3150418, MONDO:0013162, OMIM 613158.
Muscular dystrophy-dystroglycanopathy (congenital with brain and eye anomalies), type A2. Also called: MUSCULAR DYSTROPHY-DYSTROGLYCANOPATHY (CONGENITAL WITH BRAIN AND EYE ANOMALIES), TYPE A, 2; WALKER-WARBURG SYNDROME OR MUSCLE-EYE-BRAIN DISEASE, POMT2-RELATED. Identifiers: Orphanet 588, Orphanet 899, MedGen C3150411, MONDO:0013154, OMIM 613150.

Allele frequency attached by ClinVar (database versions not stated): gnomAD exomes below 0.00001.
gnomAD v4.1: 1 of 1,614,210 alleles (0.000062%); highest among the groups gnomAD compares: Non-Finnish European, 0.000085%; no homozygotes.

Submission:

Labcorp Genetics (formerly Invitae), Labcorp
Classification: Uncertain significance for Muscular dystrophy-dystroglycanopathy (congenital with impaired intellectual development), type B, 2; Muscular dystrophy-dystroglycanopathy (congenital with brain and eye anomalies), type A2; Autosomal recessive limb-girdle muscular dystrophy type 2N. Last evaluated: 2022-07-25. Review status: criteria provided, single submitter. Criteria: Invitae Variant Classification Sherloc (09022015). Collection method: clinical testing. Allele origin: germline.
Comment: This variant has not been reported in the literature in individuals affected with POMT2-related conditions. This variant is not present in population databases (gnomAD no frequency). This sequence change replaces glycine, which is neutral and non-polar, with valine, which is neutral and non-polar, at codon 555 of the POMT2 protein (p.Gly555Val). Algorithms developed to predict the effect of missense changes on protein structure and function are either unavailable or do not agree on the potential impact of this missense change (SIFT: "Deleterious"; PolyPhen-2: "Possibly Damaging"; Align-GVGD: "Class C15"). In summary, the available evidence is currently insufficient to determine the role of this variant in disease. Therefore, it has been classified as a Variant of Uncertain Significance.

NM_013382.7(POMT2):c.1664G>T (p.Gly555Val)

Gene: POMT2 (protein O-mannosyltransferase 2; minus strand). Cytogenetic location: 14q24.3.
Variant type: single nucleotide variant.
Coding change: c.1664G>T on transcript NM_013382.7 (MANE Select); coding-DNA position 1664, G replaced by T.
Protein change: p.Gly555Val; replaces glycine 555 with valine.
Molecular consequence: missense variant.
Genome position (GRCh38, 1-based): chr14:77,280,453, C>A on the plus strand (G>T on the coding strand, the complement: POMT2 is on the minus strand). VCF-style: chr14-77280453-C-A. GRCh37 (hg19) VCF-style: chr14-77746796-C-A.
Other names: short protein forms G555V.
Identifiers: ClinVar variation 1713770 (VCV001713770.6), dbSNP rs2503171353, ClinGen allele CA390515623.